The following is an entry in ClinVar:

ClinVar aggregate classification (germline): Pathogenic/Likely pathogenic. Review status: criteria provided, multiple submitters, no conflicts (2 of 4 stars). 2 submissions from 2 submitters: Pathogenic (1); Likely pathogenic (1). Last evaluated 2024-02-27.

Conditions:
Mitochondrial complex I deficiency, nuclear type 9. Also called: Mitochondrial complex 1 deficiency, nuclear type 9. Identifiers: MedGen C4748767, MONDO:0032615, OMIM 618232.

Allele frequency attached by ClinVar (database versions not stated): gnomAD exomes 0.00001; ExAC 0.00002.
gnomAD v4.1: 6 of 1,614,148 alleles (0.00037%); highest among the groups gnomAD compares: South Asian, 0.0066%; no homozygotes.

Submissions (2):

Service de Génétique Médicale, Centre Hospitalier Universitaire de Nice-Université Côte d'Azur
Classification: Likely pathogenic for Mitochondrial complex I deficiency, nuclear type 9. Last evaluated: 2024-02-27. Review status: criteria provided, single submitter. Criteria: ACMG Guidelines, 2015. Collection method: clinical testing. Allele origin: germline. Affected: yes.

Labcorp Genetics (formerly Invitae), Labcorp
Classification: Pathogenic. Last evaluated: 2022-11-03. Review status: criteria provided, single submitter. Criteria: Invitae Variant Classification Sherloc (09022015). Collection method: clinical testing. Allele origin: germline.
Comment: This sequence change affects a donor splice site in intron 3 of the NDUFS6 gene. While this variant is not anticipated to result in nonsense mediated decay, it likely alters RNA splicing and results in a disrupted protein product. This variant is present in population databases (rs112210581, gnomAD 0.01%). For these reasons, this variant has been classified as Pathogenic. This variant disrupts a region of the NDUFS6 protein in which other variant(s) (p.Cys115Arg) have been determined to be pathogenic (PMID: 28429146, 30948790, 31967322; Invitae). This suggests that this is a clinically significant region of the protein, and that variants that disrupt it are likely to be disease-causing. Variants that disrupt the consensus splice site are a relatively common cause of aberrant splicing (PMID: 17576681, 9536098). Algorithms developed to predict the effect of sequence changes on RNA splicing suggest that this variant may disrupt the consensus splice site. This variant has not been reported in the literature in individuals affected with NDUFS6-related conditions.

Literature cited by the submitters: PubMed 38703036 (cited by Service de Génétique Médicale, Centre Hospitalier Universitaire de Nice-Université Côte d'Azur); PubMed 28429146 (cited by Labcorp Genetics (formerly Invitae), Labcorp); PubMed 30948790 (cited by Labcorp Genetics (formerly Invitae), Labcorp); PubMed 31967322 (cited by Labcorp Genetics (formerly Invitae), Labcorp); PubMed 17576681 (cited by Labcorp Genetics (formerly Invitae), Labcorp); PubMed 9536098 (cited by Labcorp Genetics (formerly Invitae), Labcorp).

NM_004553.6(NDUFS6):c.309+2T>C

Gene: NDUFS6 (NADH:ubiquinone oxidoreductase subunit S6; plus strand). Cytogenetic location: 5p15.33.
Variant type: single nucleotide variant.
Coding change: c.309+2T>C on transcript NM_004553.6 (MANE Select); the canonical splice donor site of the intron after coding-DNA position 309, T replaced by C.
Molecular consequence: splice donor variant.
Genome position (GRCh38, 1-based): chr5:1,814,463, T>C. VCF-style: chr5-1814463-T-C. GRCh37 (hg19) VCF-style: chr5-1814577-T-C.
Identifiers: ClinVar variation 2175361 (VCV002175361.5), dbSNP rs112210581, ClinGen allele CA3187644.